The following is an entry in ClinVar:

NM_000135.4(FANCA):c.548G>A (p.Trp183Ter)

Gene: FANCA (FA complementation group A; minus strand). Cytogenetic location: 16q24.3.
Variant type: single nucleotide variant.
Coding change: c.548G>A on transcript NM_000135.4 (MANE Select); coding-DNA position 548, G replaced by A.
Protein change: p.Trp183Ter; replaces tryptophan 183 with a stop codon.
Molecular consequence: nonsense.
Genome position (GRCh38, 1-based): chr16:89,808,342, C>T on the plus strand (G>A on the coding strand, the complement: FANCA is on the minus strand). VCF-style: chr16-89808342-C-T. GRCh37 (hg19) VCF-style: chr16-89874750-C-T.
Other names: c.548G>A, p.Trp183Ter (NM_001018112.3, NM_001286167.3); c.452G>A, p.Trp151Ter (NM_001351830.2); c.548G>A (LRG_495t1); short protein forms W151*, W183*.
Identifiers: ClinVar variation 648397 (VCV000648397.10), dbSNP rs1598184500, ClinGen allele CA397479347.

ClinVar aggregate classification (germline): Pathogenic. Review status: criteria provided, single submitter (1 of 4 stars). 2 submissions from 2 submitters: Pathogenic (1). 1 of the submissions does not count toward it. Last evaluated 2018-11-18.

Conditions:
Fanconi anemia (FA). Also called: Fanconi's anemia. Identifiers: Orphanet 84, MedGen C0015625, MeSH D005199, MONDO:0019391.

Allele frequency attached by ClinVar (database versions not stated): TOPMed below 0.00001.

Submissions (2):

Labcorp Genetics (formerly Invitae), Labcorp
Classification: Pathogenic for Fanconi anemia. Last evaluated: 2018-11-18. Review status: criteria provided, single submitter. Criteria: Invitae Variant Classification Sherloc (09022015). Collection method: clinical testing. Allele origin: germline.
Comment: For these reasons, this variant has been classified as Pathogenic. Loss-of-function variants in FANCA are known to be pathogenic (PMID: 19367192). This variant has been observed together with another FANCA variant in an individual affected with Fanconi anemia (PMID: 24584348). This variant is not present in population databases (ExAC no frequency). This sequence change creates a premature translational stop signal (p.Trp183*) in the FANCA gene. It is expected to result in an absent or disrupted protein product.

Natera, Inc.
Classification: Pathogenic for Fanconi anemia. Last evaluated: 2021-08-11. Review status: no assertion criteria provided. Collection method: clinical testing. Allele origin: germline. Not counted in ClinVar's aggregate classification.

Literature cited by the submitters: PubMed 19367192 (cited by Labcorp Genetics (formerly Invitae), Labcorp); PubMed 24584348 (cited by Labcorp Genetics (formerly Invitae), Labcorp).